The following is an entry in ClinVar:

ClinVar aggregate classification (germline): Uncertain significance (1 of 4 stars; one submission).

Conditions:
Hereditary pancreatitis (PCTT). Also called: Hereditary chronic pancreatitis; PRSS1-Related Hereditary Pancreatitis. Identifiers: Orphanet 676, MedGen C0238339, MONDO:0008185, OMIM 167800.

Submission:

Ambry Genetics
Classification: Uncertain significance for Hereditary pancreatitis. Last evaluated: 2022-07-11. Review status: criteria provided, single submitter. Criteria: Ambry Variant Classification Scheme 2023. Collection method: clinical testing. Allele origin: germline.
Comment: The p.P418A variant (also known as c.1252C>G), located in coding exon 10 of the CPA1 gene, results from a C to G substitution at nucleotide position 1252. The proline at codon 418 is replaced by alanine, an amino acid with highly similar properties. This amino acid position is conserved. In addition, this alteration is predicted to be tolerated by in silico analysis. Since supporting evidence is limited at this time, the clinical significance of this alteration remains unclear.

NM_001868.4(CPA1):c.1252C>G (p.Pro418Ala)

Gene: CPA1 (carboxypeptidase A1; plus strand). Cytogenetic location: 7q32.2.
Variant type: single nucleotide variant.
Coding change: c.1252C>G on transcript NM_001868.4 (MANE Select); coding-DNA position 1252, C replaced by G.
Protein change: p.Pro418Ala; replaces proline 418 with alanine.
Molecular consequence: missense variant.
Genome position (GRCh38, 1-based): chr7:130,388,003, C>G. VCF-style: chr7-130388003-C-G. GRCh37 (hg19) VCF-style: chr7-130027844-C-G.
Other names: short protein forms P418A.
Identifiers: ClinVar variation 1761014 (VCV001761014.2), dbSNP rs2536015636, ClinGen allele CA369284672.